The following is an entry in ClinVar:

ClinVar aggregate classification (germline): Likely benign (1 of 4 stars; one submission).

Submission:

CeGaT Center for Human Genetics Tuebingen
Classification: Likely benign. Last evaluated: 2024-06-01. Review status: criteria provided, single submitter. Criteria: CeGaT Center For Human Genetics Tuebingen Variant Classification Criteria Version 2. Collection method: clinical testing. Allele origin: germline. Affected: yes. Observed: 1 variant allele.
Comment: MUC2: PM2:Supporting, BP4, BP7

NM_002457.5(MUC2):c.4611C>T (p.Thr1537=)

Gene: MUC2 (mucin 2, oligomeric mucus/gel-forming; plus strand). Cytogenetic location: 11p15.5.
Variant type: single nucleotide variant.
Coding change: c.4611C>T on transcript NM_002457.5 (MANE Select); coding-DNA position 4611, C replaced by T.
Protein change: p.Thr1537=; no amino-acid change (threonine 1537 retained).
Molecular consequence: synonymous variant.
Genome position (GRCh38, 1-based): chr11:1,094,854, C>T. VCF-style: chr11-1094854-C-T. GRCh37 (hg19) VCF-style: chr11-1092792-C-T.
Identifiers: ClinVar variation 3250581 (VCV003250581.18), dbSNP rs201679744.
Genomic context (GRCh38, chr11:1,094,854, plus strand): 5'-TCCACCAACCACCACTCCCAGCCCTCCAACAACCACCACAACCACCCCTCCACCAACCAC[C>T]ACTCCCAGTCCTCCAACGACTACGCCCATCACTCCACCAACCAGCACTACTACCCTTCCA-3'
Protein context (NP_002448.5, residues 1527-1547): TTTTTTPPPT[Thr1537=]TPSPPTTTPI